The following is an entry in ClinVar:

ClinVar aggregate classification (germline): Conflicting classifications of pathogenicity. Review status: criteria provided, conflicting classifications (1 of 4 stars). 2 submissions from 2 submitters: Uncertain significance (1); Likely benign (1). Last evaluated 2025-10-09.

Conditions:
Hereditary cancer-predisposing syndrome. Also called: Hereditary Cancer Syndrome; Hereditary neoplastic syndrome; Neoplastic Syndromes, Hereditary; Tumor predisposition. Identifiers: Orphanet 140162, MedGen C0027672, MeSH D009386, MONDO:0015356.

Submissions (2):

Quest Diagnostics Nichols Institute San Juan Capistrano
Classification: Uncertain significance. Last evaluated: 2025-10-09. Review status: criteria provided, single submitter. Criteria: Quest Diagnostics criteria. Collection method: clinical testing. Allele origin: unknown.
Comment: The BRCA2 c.8865T>G (p.Ala2955=) synonymous variant has not been reported in individuals with BRCA2-related conditions in the published literature. This variant also has not been reported in large, multi-ethnic general populations (Genome Aggregation Database). Analysis of this variant using software algorithms for the prediction of the effect of nucleotide changes on splicing yielded predictions that this variant does not affect BRCA2 mRNA splicing. Based on the available information, we are unable to determine the clinical significance of this variant.

Ambry Genetics
Classification: Likely benign for Hereditary cancer-predisposing syndrome. Last evaluated: 2025-06-24. Review status: criteria provided, single submitter. Criteria: Ambry Variant Classification Scheme 2023. Collection method: clinical testing. Allele origin: germline.

NM_000059.4(BRCA2):c.8865T>G (p.Ala2955=)

Gene: BRCA2 (BRCA2 DNA repair associated; plus strand). Cytogenetic location: 13q13.1.
Variant type: single nucleotide variant.
Coding change: c.8865T>G on transcript NM_000059.4 (MANE Select); coding-DNA position 8865, T replaced by G.
Protein change: p.Ala2955=; no amino-acid change (alanine 2955 retained).
Molecular consequence: synonymous variant. On other transcripts: non-coding transcript variant (1).
Genome position (GRCh38, 1-based): chr13:32,379,427, T>G. VCF-style: chr13-32379427-T-G. GRCh37 (hg19) VCF-style: chr13-32953564-T-G.
Other names: c.8769T>G, p.Ala2923= (NM_001406719.1); c.8865T>G, p.Ala2955= (NM_001406720.1, NM_001432077.1); c.3933T>G, p.Ala1311= (NM_001406721.1); c.2448T>G, p.Ala816= (NM_001406722.1).
Identifiers: ClinVar variation 4215652 (VCV004215652.2).